The following is an entry in ClinVar:

ClinVar aggregate classification (germline): Pathogenic. Review status: reviewed by expert panel (3 of 4 stars). 6 submissions from 6 submitters: Pathogenic (1). 5 of the submissions do not count toward it. Last evaluated 2025-01-07.

Conditions:
Gnathodiaphyseal dysplasia (GDD). Also called: OSTEOGENESIS IMPERFECTA WITH UNUSUAL SKELETAL LESIONS; GNATHODIAPHYSEAL SCLEROSIS. Identifiers: Orphanet 53697, MedGen C1833736, MONDO:0008151, OMIM 166260.
Autosomal recessive limb-girdle muscular dystrophy type 2L (LGMDR12). Also called: Limb-girdle muscular dystrophy, type 2L; Limb-Girdle Muscular Dystrophy R12 Anoctamin-5-Related (LGMD-R12); MUSCULAR DYSTROPHY, LIMB-GIRDLE, AUTOSOMAL RECESSIVE 12. Identifiers: Orphanet 206549, MedGen C1969785, MONDO:0012652, OMIM 611307.
Autosomal recessive limb-girdle muscular dystrophy. Identifiers: Orphanet 102015, MedGen C2931907, MONDO:0015152.

Allele frequency attached by ClinVar (database versions not stated): gnomAD 0.00001 and 0.00003; gnomAD exomes 0.00001; TOPMed 0.00002.

Submissions (6):

ClinGen Limb Girdle Muscular Dystrophy Variant Curation Expert Panel, ClinGen
Classification: Pathogenic for Autosomal recessive limb-girdle muscular dystrophy. Last evaluated: 2025-01-07. Review status: reviewed by expert panel. Criteria: ClinGen LGMD VCEP ACMG Specifications ANO5 V1.0.0. Collection method: curation. Allele origin: germline. Inheritance: Autosomal recessive inheritance.
Comment: The NM_213599.3: c.2018A>G variant in ANO5 is a missense variant predicted to cause substitution of tyrosine by cysteine at amino acid 673 (p.Tyr673Cys). This variant has been detected in at least 6 individuals with autosomal recessive limb-girdle muscular dystrophy. Of those individuals, five had another pathogenic or likely pathogenic variant, with three confirmed in trans by parental testing (c.191dup x2, 2 pts, PMIDs: 21820307, 21186264) and two phase unknown (c.191dup, 0.5 pts, ClinVar SCV001371267.12 internal data communication; c.989dup, 0.5 pts, PMID: 23606453). One individual was homozygous for the variant (0.5 pts, ClinVar SCV000767092.3 internal data communication) (PM3_Strong). At least one patient with this variant displayed a progressive limb girdle pattern of muscle weakness (PP4; PMD: 21820307). The variant has been reported to segregate with the LGMD phenotype in four affected family members from two families (PP1_Strong; PMID: 21186264, 23670307). The highest population minor allele frequency in gnomAD v2.1.1 is 0.00006 (1/15424 alleles) in the European (non-Finnish) population, which is less than the ClinGen LGMD VCEP threshold (≤0.0001) for PM2_Supporting, meeting this criterion (PM2_Supporting). The computational predictor REVEL gives a score of 0.88, which exceeds the VCEP threshold of ≥0.70, evidence that correlates with impact to ANO5 function (PP3). In summary, this variant meets the criteria to be classified as Pathogenic for autosomal recessive limb girdle muscular dystrophy based on the ACMG/AMP criteria applied, as specified by the ClinGen LGMD VCEP (LGMD VCEP specifications version 1.0.0; 01/07/2025): PM3_Strong, PP1_Strong, PP4, PM2_Supporting, PP3.

Victorian Clinical Genetics Services, Murdoch Childrens Research Institute
Classification: Pathogenic for Autosomal recessive limb-girdle muscular dystrophy type 2L. Last evaluated: 2025-07-15. Review status: criteria provided, single submitter. Criteria: ACMG Guidelines, 2015. Collection method: clinical testing. Allele origin: germline. Affected: yes. Not counted in ClinVar's aggregate classification.
Comment: This variant is classified as Pathogenic. Evidence in support of pathogenic classification: Variant is present in gnomAD <0.01 (v4: 11 heterozygote(s), 0 homozygote(s)); This variant has strong previous evidence of pathogenicity in unrelated individuals. This variant has been classified as pathogenic by the Limb Girdle Muscular Dystrophy Variant Curation Expert Panel and classified as pathogenic by multiple clinical laboratories in ClinVar. - Missense variant predicted to be damaging by in silico tool(s) or highly conserved with a major amino acid change. Additional information: Variant is predicted to result in a missense amino acid change from tyrosine to cysteine; This variant is heterozygous; This gene is associated with both recessive and dominant disease (OMIM); Loss of function is a known mechanism of disease in this gene and is associated with Miyoshi muscular dystrophy 3 (MIM#613319), and muscular dystrophy, limb-girdle, autosomal recessive 12 (MIM#611307). The mechanism of disease for missense variants causing dominant gnathodiaphyseal dysplasia (MIM#166260) is unclear (PMID: 32112655); Variants in this gene are known to have variable expressivity. Phenotype and severity of phenotype vary greatly between affected individuals (PMID: 22402862).

Labcorp Genetics (formerly Invitae), Labcorp
Classification: Pathogenic for Autosomal recessive limb-girdle muscular dystrophy type 2L; Gnathodiaphyseal dysplasia. Last evaluated: 2024-10-08. Review status: criteria provided, single submitter. Criteria: Invitae Variant Classification Sherloc (09022015). Collection method: clinical testing. Allele origin: germline. Not counted in ClinVar's aggregate classification.
Comment: This sequence change replaces tyrosine, which is neutral and polar, with cysteine, which is neutral and slightly polar, at codon 673 of the ANO5 protein (p.Tyr673Cys). This variant is present in population databases (rs137854527, gnomAD 0.007%). This missense change has been observed in individual(s) with clinical features of ANO5-related conditions (PMID: 21186264, 22980763, 23606453, 23670307). In at least one individual the data is consistent with being in trans (on the opposite chromosome) from a pathogenic variant. It has also been observed to segregate with disease in related individuals. ClinVar contains an entry for this variant (Variation ID: 140555). Invitae Evidence Modeling of protein sequence and biophysical properties (such as structural, functional, and spatial information, amino acid conservation, physicochemical variation, residue mobility, and thermodynamic stability) indicates that this missense variant is expected to disrupt ANO5 protein function with a positive predictive value of 95%. For these reasons, this variant has been classified as Pathogenic.

CeGaT Center for Human Genetics Tuebingen
Classification: Pathogenic. Last evaluated: 2020-04-01. Review status: criteria provided, single submitter. Criteria: CeGaT Center For Human Genetics Tuebingen Variant Classification Criteria Version 2. Collection method: clinical testing. Allele origin: germline. Affected: yes. Observed: 1 variant allele. Not counted in ClinVar's aggregate classification.

Eurofins Ntd Llc (ga)
Classification: Pathogenic. Last evaluated: 2017-02-02. Review status: criteria provided, single submitter. Criteria: EGL Classification Definitions 2015. Collection method: clinical testing. Allele origin: germline. Observed: 1 variant allele, 1 heterozygote. Not counted in ClinVar's aggregate classification.

ANO5 @LOVD
No classification provided. Review status: no classification provided. Collection method: not provided. Allele origin: unknown. Not counted in ClinVar's aggregate classification.

Literature cited by the submitters: PubMed 32112655 (cited by Victorian Clinical Genetics Services, Murdoch Childrens Research Institute); PubMed 22402862 (cited by Victorian Clinical Genetics Services, Murdoch Childrens Research Institute); PubMed 21186264 (cited by Labcorp Genetics (formerly Invitae), Labcorp); PubMed 22980763 (cited by Labcorp Genetics (formerly Invitae), Labcorp); PubMed 23606453 (cited by Labcorp Genetics (formerly Invitae), Labcorp); PubMed 23670307 (cited by Labcorp Genetics (formerly Invitae), Labcorp).

NM_213599.3(ANO5):c.2018A>G (p.Tyr673Cys)

Gene: ANO5 (anoctamin 5; plus strand). Cytogenetic location: 11p14.3.
Variant type: single nucleotide variant.
Coding change: c.2018A>G on transcript NM_213599.3 (MANE Select); coding-DNA position 2018, A replaced by G.
Protein change: p.Tyr673Cys; replaces tyrosine 673 with cysteine.
Molecular consequence: missense variant.
Genome position (GRCh38, 1-based): chr11:22,270,431, A>G. VCF-style: chr11-22270431-A-G. GRCh37 (hg19) VCF-style: chr11-22291977-A-G.
Other names: NM_213599.3(ANO5):c.2018A>G; p.Tyr673Cys; c.2015A>G, p.Tyr672Cys (NM_001142649.2); short protein forms Y673C, Y672C.
Identifiers: ClinVar variation 140555 (VCV000140555.52), dbSNP rs137854527, ClinGen allele CA232789.